The following is an entry in ClinVar:

ClinVar aggregate classification (germline): Uncertain significance (1 of 4 stars; one submission).

Conditions:
Muscular dystrophy-dystroglycanopathy (congenital with brain and eye anomalies), type a, 8 (MDDGA8). Also called: WALKER-WARBURG SYNDROME OR MUSCLE-EYE-BRAIN DISEASE, GTDC2-RELATED. Identifiers: Orphanet 899, MedGen C3553813, MONDO:0013904, OMIM 614830.

Submission:

Labcorp Genetics (formerly Invitae), Labcorp
Classification: Uncertain significance for Muscular dystrophy-dystroglycanopathy (congenital with brain and eye anomalies), type a, 8. Last evaluated: 2021-11-01. Review status: criteria provided, single submitter. Criteria: Invitae Variant Classification Sherloc (09022015). Collection method: clinical testing. Allele origin: germline.
Comment: This sequence change replaces arginine, which is basic and polar, with leucine, which is neutral and non-polar, at codon 424 of the POMGNT2 protein (p.Arg424Leu). This variant is not present in population databases (gnomAD no frequency). This variant has not been reported in the literature in individuals affected with POMGNT2-related conditions. Algorithms developed to predict the effect of missense changes on protein structure and function are either unavailable or do not agree on the potential impact of this missense change (SIFT: "Deleterious"; PolyPhen-2: "Probably Damaging"; Align-GVGD: "Class C0"). In summary, the available evidence is currently insufficient to determine the role of this variant in disease. Therefore, it has been classified as a Variant of Uncertain Significance.

NM_032806.6(POMGNT2):c.1271G>T (p.Arg424Leu)

Gene: POMGNT2 (protein O-linked mannose N-acetylglucosaminyltransferase 2 (beta 1,4-); minus strand). Cytogenetic location: 3p22.1.
Variant type: single nucleotide variant.
Coding change: c.1271G>T on transcript NM_032806.6 (MANE Select); coding-DNA position 1271, G replaced by T.
Protein change: p.Arg424Leu; replaces arginine 424 with leucine.
Molecular consequence: missense variant.
Genome position (GRCh38, 1-based): chr3:43,080,161, C>A on the plus strand (G>T on the coding strand, the complement: POMGNT2 is on the minus strand). VCF-style: chr3-43080161-C-A. GRCh37 (hg19) VCF-style: chr3-43121653-C-A.
Other names: short protein forms R424L.
Identifiers: ClinVar variation 1367113 (VCV001367113.4), dbSNP rs775667995, ClinGen allele CA352301485.